The following is an entry in ClinVar:

ClinVar aggregate classification (germline): Uncertain significance (1 of 4 stars; one submission).

gnomAD v4.1: 3 of 1,590,128 alleles (0.00019%); highest among the groups gnomAD compares: Non-Finnish European, 0.00026%; no homozygotes.

Submission:

Labcorp Genetics (formerly Invitae), Labcorp
Classification: Uncertain significance. Last evaluated: 2022-07-06. Review status: criteria provided, single submitter. Criteria: Invitae Variant Classification Sherloc (09022015). Collection method: clinical testing. Allele origin: germline.
Comment: This variant is not present in population databases (gnomAD no frequency). In summary, the available evidence is currently insufficient to determine the role of this variant in disease. Therefore, it has been classified as a Variant of Uncertain Significance. Algorithms developed to predict the effect of missense changes on protein structure and function are either unavailable or do not agree on the potential impact of this missense change (SIFT: "Tolerated"; PolyPhen-2: "Not Available"; Align-GVGD: "Class C0"). This variant has not been reported in the literature in individuals affected with DNA2-related conditions. This sequence change replaces alanine, which is neutral and non-polar, with aspartic acid, which is acidic and polar, at codon 667 of the DNA2 protein (p.Ala667Asp).

NM_001080449.3(DNA2):c.2000C>A (p.Ala667Asp)

Gene: DNA2 (DNA replication helicase/nuclease 2; minus strand). Cytogenetic location: 10q21.3.
Variant type: single nucleotide variant.
Coding change: c.2000C>A on transcript NM_001080449.3 (MANE Select); coding-DNA position 2000, C replaced by A.
Protein change: p.Ala667Asp; replaces alanine 667 with aspartic acid.
Molecular consequence: missense variant.
Genome position (GRCh38, 1-based): chr10:68,430,644, G>T on the plus strand (C>A on the coding strand, the complement: DNA2 is on the minus strand). VCF-style: chr10-68430644-G-T. GRCh37 (hg19) VCF-style: chr10-70190401-G-T.
Other names: short protein forms A667D.
Identifiers: ClinVar variation 2065187 (VCV002065187.4), dbSNP rs1298645371, ClinGen allele CA376854910.